The following is an entry in ClinVar:

NM_005896.4(IDH1):c.1205G>A (p.Gly402Glu)

Gene: IDH1 (isocitrate dehydrogenase (NADP(+)) 1; minus strand). Cytogenetic location: 2q34.
Variant type: single nucleotide variant.
Coding change: c.1205G>A on transcript NM_005896.4 (MANE Select); coding-DNA position 1205, G replaced by A.
Protein change: p.Gly402Glu; replaces glycine 402 with glutamic acid.
Molecular consequence: missense variant.
Genome position (GRCh38, 1-based): chr2:208,237,119, C>T on the plus strand (G>A on the coding strand, the complement: IDH1 is on the minus strand). VCF-style: chr2-208237119-C-T. GRCh37 (hg19) VCF-style: chr2-209101843-C-T.
Other names: c.1205G>A, p.Gly402Glu (NM_001282386.1, NM_001282387.1); short protein forms G402E.
Identifiers: ClinVar variation 1748672 (VCV001748672.3), dbSNP rs1231130403, ClinGen allele CA350093562.

ClinVar aggregate classification (germline): Uncertain significance (1 of 4 stars; one submission).

Allele frequency attached by ClinVar (database versions not stated): gnomAD exomes below 0.00001; gnomAD 0.00001; TOPMed 0.00002.
gnomAD v4.1: 3 of 1,610,128 alleles (0.00019%); highest among the groups gnomAD compares: Admixed American, 0.005%; no homozygotes.

Submission:

Ambry Genetics
Classification: Uncertain significance. Last evaluated: 2024-08-19. Review status: criteria provided, single submitter. Criteria: Ambry Variant Classification Scheme 2023. Collection method: clinical testing. Allele origin: germline.
Comment: The p.G402E variant (also known as c.1205G>A), located in coding exon 8 of the IDH1 gene, results from a G to A substitution at nucleotide position 1205. The glycine at codon 402 is replaced by glutamic acid, an amino acid with similar properties. This amino acid position is conserved. In addition, this alteration is predicted to be tolerated by in silico analysis. Since supporting evidence is limited at this time, the clinical significance of this alteration remains unclear.